The following is an entry in ClinVar:

ClinVar aggregate classification (germline): Uncertain significance. Review status: criteria provided, multiple submitters, no conflicts (2 of 4 stars). 2 submissions from 2 submitters: Uncertain significance (2). Last evaluated 2020-10-07.

Conditions:
Joubert syndrome 14 (JBTS14). Identifiers: MedGen C3280766, MONDO:0013745, OMIM 614424.

Allele frequency attached by ClinVar (database versions not stated): gnomAD exomes below 0.00001.

Submissions (2):

Labcorp Genetics (formerly Invitae), Labcorp
Classification: Uncertain significance for Joubert syndrome 14. Last evaluated: 2020-10-07. Review status: criteria provided, single submitter. Criteria: Invitae Variant Classification Sherloc (09022015). Collection method: clinical testing. Allele origin: germline.
Comment: In summary, the available evidence is currently insufficient to determine the role of this variant in disease. Therefore, it has been classified as a Variant of Uncertain Significance. Algorithms developed to predict the effect of sequence changes on RNA splicing suggest that this variant may create or strengthen a splice site, but this prediction has not been confirmed by published transcriptional studies. Algorithms developed to predict the effect of missense changes on protein structure and function are either unavailable or do not agree on the potential impact of this missense change (SIFT: "Deleterious"; PolyPhen-2: "Probably Damaging"; Align-GVGD: "Class C0"). This sequence change replaces asparagine with lysine at codon 110 of the TMEM237 protein (p.Asn110Lys). The asparagine residue is highly conserved and there is a moderate physicochemical difference between asparagine and lysine. This variant is not present in population databases (ExAC no frequency). This variant has not been reported in the literature in individuals with TMEM237-related conditions. ClinVar contains an entry for this variant (Variation ID: 451176).

GeneDx
Classification: Uncertain significance. Last evaluated: 2018-12-19. Review status: criteria provided, single submitter. Criteria: GeneDx Variant Classification (06012015). Collection method: clinical testing. Allele origin: germline. Affected: yes.
Comment: The N110K variant has not been published as a pathogenic variant, nor has it been reported as a benign variant to our knowledge. The N110K variant is not observed in large population cohorts (Lek et al., 2016). The N110K variant is a semi-conservative amino acid substitution, which may impact secondary protein structure as these residues differ in some properties. However, in-silico analyses, including protein predictors and evolutionary conservation, support that this variant does not alter protein structure/function. Therefore, based on the currently available information, it is unclear whether this variant is a pathogenic variant or a rare benign variant.

NM_001044385.3(TMEM237):c.330T>G (p.Asn110Lys)

Gene: TMEM237 (transmembrane protein 237; minus strand). Cytogenetic location: 2q33.1.
Variant type: single nucleotide variant.
Coding change: c.330T>G on transcript NM_001044385.3 (MANE Select); coding-DNA position 330, T replaced by G.
Protein change: p.Asn110Lys; replaces asparagine 110 with lysine.
Molecular consequence: missense variant.
Genome position (GRCh38, 1-based): chr2:201,633,376, A>C on the plus strand (T>G on the coding strand, the complement: TMEM237 is on the minus strand). VCF-style: chr2-201633376-A-C. GRCh37 (hg19) VCF-style: chr2-202498099-A-C.
Other names: c.306T>G, p.Asn102Lys (NM_152388.4); short protein forms N102K, N110K.
Identifiers: ClinVar variation 451176 (VCV000451176.10), dbSNP rs1553660992, ClinGen allele CA350314130.